The following is an entry in ClinVar:

NM_001287.6(CLCN7):c.550G>A (p.Ala184Thr)

Gene: CLCN7 (chloride voltage-gated channel 7; minus strand). Cytogenetic location: 16p13.3.
Variant type: single nucleotide variant.
Coding change: c.550G>A on transcript NM_001287.6 (MANE Select); coding-DNA position 550, G replaced by A.
Protein change: p.Ala184Thr; replaces alanine 184 with threonine.
Molecular consequence: missense variant.
Genome position (GRCh38, 1-based): chr16:1,460,462, C>T on the plus strand (G>A on the coding strand, the complement: CLCN7 is on the minus strand). VCF-style: chr16-1460462-C-T. GRCh37 (hg19) VCF-style: chr16-1510463-C-T.
Other names: c.478G>A, p.Ala160Thr (NM_001114331.3); short protein forms A160T, A184T.
Identifiers: ClinVar variation 2990550 (VCV002990550.3), dbSNP rs749870443, ClinGen allele CA7810731.

ClinVar aggregate classification (germline): Uncertain significance (1 of 4 stars; one submission).

Allele frequency attached by ClinVar (database versions not stated): gnomAD 0.00001; TOPMed 0.00001; ExAC 0.00002.
gnomAD v4.1: 34 of 1,613,686 alleles (0.0021%); highest among the groups gnomAD compares: Non-Finnish European, 0.0028%; no homozygotes.

Submission:

Labcorp Genetics (formerly Invitae), Labcorp
Classification: Uncertain significance. Last evaluated: 2024-10-23. Review status: criteria provided, single submitter. Criteria: Invitae Variant Classification Sherloc (09022015). Collection method: clinical testing. Allele origin: germline.
Comment: This sequence change replaces alanine, which is neutral and non-polar, with threonine, which is neutral and polar, at codon 184 of the CLCN7 protein (p.Ala184Thr). This variant is present in population databases (rs749870443, gnomAD 0.004%). This variant has not been reported in the literature in individuals affected with CLCN7-related conditions. Invitae Evidence Modeling of protein sequence and biophysical properties (such as structural, functional, and spatial information, amino acid conservation, physicochemical variation, residue mobility, and thermodynamic stability) indicates that this missense variant is not expected to disrupt CLCN7 protein function with a negative predictive value of 95%. In summary, the available evidence is currently insufficient to determine the role of this variant in disease. Therefore, it has been classified as a Variant of Uncertain Significance.